The following is an entry in ClinVar:

NM_032043.3(BRIP1):c.1291A>T (p.Arg431Trp)

Gene: BRIP1 (BRCA1 interacting DNA helicase 1; minus strand). Cytogenetic location: 17q23.2.
Variant type: single nucleotide variant.
Coding change: c.1291A>T on transcript NM_032043.3 (MANE Select); coding-DNA position 1291, A replaced by T.
Protein change: p.Arg431Trp; replaces arginine 431 with tryptophan.
Molecular consequence: missense variant.
Genome position (GRCh38, 1-based): chr17:61,799,149, T>A on the plus strand (A>T on the coding strand, the complement: BRIP1 is on the minus strand). VCF-style: chr17-61799149-T-A. GRCh37 (hg19) VCF-style: chr17-59876510-T-A.
Other names: short protein forms R431W.
Identifiers: ClinVar variation 2014182 (VCV002014182.4), dbSNP rs2145302296, ClinGen allele CA400483511.

ClinVar aggregate classification (germline): Uncertain significance (1 of 4 stars; one submission).

Conditions:
Familial cancer of breast. Also called: hereditary breast carcinoma; BREAST CANCER, FAMILIAL; Hereditary breast cancer. Identifiers: Orphanet 227535, MedGen C0346153, MONDO:0016419, OMIM 114480. Disease mechanism: loss of function.
Fanconi anemia complementation group J. Also called: BRIP1-Related Fanconi Anemia. Identifiers: Orphanet 84, MedGen C1836860, MONDO:0012187, OMIM 609054.

Submission:

Labcorp Genetics (formerly Invitae), Labcorp
Classification: Uncertain significance for Familial cancer of breast; Fanconi anemia complementation group J. Last evaluated: 2023-03-02. Review status: criteria provided, single submitter. Criteria: Invitae Variant Classification Sherloc (09022015). Collection method: clinical testing. Allele origin: germline.
Comment: This variant is not present in population databases (gnomAD no frequency). In summary, the available evidence is currently insufficient to determine the role of this variant in disease. Therefore, it has been classified as a Variant of Uncertain Significance. Advanced modeling of protein sequence and biophysical properties (such as structural, functional, and spatial information, amino acid conservation, physicochemical variation, residue mobility, and thermodynamic stability) performed at Invitae indicates that this missense variant is expected to disrupt BRIP1 protein function. ClinVar contains an entry for this variant (Variation ID: 2014182). This variant has not been reported in the literature in individuals affected with BRIP1-related conditions. This sequence change replaces arginine, which is basic and polar, with tryptophan, which is neutral and slightly polar, at codon 431 of the BRIP1 protein (p.Arg431Trp).